The following is an entry in ClinVar:

NM_002351.5(SH2D1A):c.251T>C (p.Ile84Thr)

Gene: SH2D1A (SH2 domain containing 1A; plus strand). Cytogenetic location: Xq25.
Variant type: single nucleotide variant.
Coding change: c.251T>C on transcript NM_002351.5 (MANE Select); coding-DNA position 251, T replaced by C.
Protein change: p.Ile84Thr; replaces isoleucine 84 with threonine.
Molecular consequence: missense variant.
Genome position (GRCh38, 1-based): chrX:124,370,225, T>C. VCF-style: chrX-124370225-T-C. GRCh37 (hg19) VCF-style: chrX-123504075-T-C.
Other names: c.251T>C, p.Ile84Thr (NM_001114937.3); short protein forms I84T.
Identifiers: ClinVar variation 1805004 (VCV001805004.2), dbSNP rs2522819003, ClinGen allele CA414124554.

ClinVar aggregate classification (germline): Pathogenic (1 of 4 stars; one submission).

Conditions:
X-linked lymphoproliferative disease due to SH2D1A deficiency (XLP1). Also called: EBV infection severe susceptibility to; Epstein Barr virus infection familial fatal; Duncan's syndrome; SH2D1A-Related Lymphoproliferative Disease, X-Linked; DUNCAN DISEASE; IMMUNODEFICIENCY 5. Identifiers: Orphanet 2442, Orphanet 538931, MedGen C5399825, MONDO:0024551, OMIM 308240.

Submission:

Victorian Clinical Genetics Services, Murdoch Childrens Research Institute
Classification: Pathogenic for X-linked lymphoproliferative disease due to SH2D1A deficiency. Last evaluated: 2021-05-06. Review status: criteria provided, single submitter. Criteria: ACMG Guidelines, 2015. Collection method: clinical testing. Allele origin: germline. Inheritance: X-linked inheritance.
Comment: Based on the classification scheme VCGS_Germline_v1.3.4, this variant is classified as Pathogenic. Following criteria are met: 0102 - Loss of function is a known mechanism of disease in this gene and is associated with X-linked lymphoproliferative disease (MIM#308240). (I) 0109 - This gene is associated with X-linked recessive disease. (I) 0200 - Variant is predicted to result in a missense amino acid change from isoleucine to threonine. (I) 0251 - This variant is heterozygous. (I) 0301 - Variant is absent from gnomAD (both v2 and v3). (SP) 0501 - Missense variant consistently predicted to be damaging by multiple in silico tools or highly conserved with a major amino acid change. (SP) 0603 - Missense variant in a region that is highly intolerant to missense variation (SH2 domain; high constraint region in DECIPHER). (SP) 0704 - Another missense variant comparable to the one identified in this case has limited previous evidence for pathogenicity. A different variant in the same codon resulting in a change to a serine has been reported as pathogenic in an individual with primary immunodeficiency (PMID: 32888943). (SP) 0901 - This variant has strong evidence for segregation with disease. This variant has been shown to segregate with X-linked lymphoproliferative disease in multiple members of this individual’s family (PMID: 16720617; personal communication). (SP) 1001 - This variant has strong functional evidence supporting abnormal protein function. Functional studies on patient cells and transfected cell lines show that this variant significantly reduces protein expression (PMID: 16720617). (SP) 1208 - Inheritance information for this variant is not currently available in this individual. (I) Legend: (SP) - Supporting pathogenic, (I) - Information, (SB) - Supporting benign

Literature cited by the submitters: PubMed 16720617; PubMed 32888943.